The following is an entry in ClinVar:

ClinVar aggregate classification (germline): Likely pathogenic. Review status: criteria provided, single submitter (1 of 4 stars). 2 submissions from 2 submitters: Likely pathogenic (1). 1 of the submissions does not count toward it. Last evaluated 2020-02-14.

Conditions:
Hypothyroidism, congenital, nongoitrous, 7 (CHNG7). Also called: Thyrotropin-releasing hormone resistance, generalized; Resistance to thyrotropin-releasing hormone syndrome. Identifiers: Orphanet 99832, MedGen C1861106, MONDO:0032819, OMIM 618573.

Submissions (2):

SIB Swiss Institute of Bioinformatics
Classification: Likely pathogenic for Hypothyroidism, congenital, nongoitrous, 7. Last evaluated: 2020-02-14. Review status: criteria provided, single submitter. Criteria: ACMG Guidelines, 2015. Collection method: curation. Allele origin: unknown.
Comment: This variant is interpreted as likely pathogenic for Hypothyroidism, congenital, non-goitrous, 7, autosomal recessive. The following ACMG Tag(s) were applied: PM2, PS3, PP3.

OMIM
Classification: Pathogenic for HYPOTHYROIDISM, CONGENITAL, NONGOITROUS, 7. Last evaluated: 2019-09-05. Review status: no assertion criteria provided. Collection method: literature only. Allele origin: germline. Not counted in ClinVar's aggregate classification.

Literature cited by the submitters: PubMed 26735259 (cited by SIB Swiss Institute of Bioinformatics and OMIM).

NM_003301.7(TRHR):c.242C>G (p.Pro81Arg)

Gene: TRHR (thyrotropin releasing hormone receptor; plus strand). Cytogenetic location: 8q23.1.
Variant type: single nucleotide variant.
Coding change: c.242C>G on transcript NM_003301.7 (MANE Select); coding-DNA position 242, C replaced by G.
Protein change: p.Pro81Arg; replaces proline 81 with arginine.
Molecular consequence: missense variant.
Genome position (GRCh38, 1-based): chr8:109,087,754, C>G. VCF-style: chr8-109087754-C-G. GRCh37 (hg19) VCF-style: chr8-110099983-C-G.
Other names: short protein forms P81R.
Identifiers: ClinVar variation 689395 (VCV000689395.2), dbSNP rs1586182837, ClinGen allele CA372041172.
Genomic context (GRCh38, chr8:109,087,754, plus strand): 5'-ACTGCTACCTGGTGAGCCTGGCAGTAGCTGATCTCATGGTCTTGGTGGCCGCAGGCCTCC[C>G]CAACATAACAGACAGTATCTACGGTTCCTGGGTCTATGGCTATGTTGGATGCCTCTGCAT-3'
Protein context (NP_003292.1, residues 71-91): DLMVLVAAGL[Pro81Arg]NITDSIYGSW